The following is an entry in ClinVar:

ClinVar aggregate classification (germline): Pathogenic. Review status: criteria provided, multiple submitters, no conflicts (2 of 4 stars). 6 submissions from 6 submitters: Pathogenic (6). Last evaluated 2025-09-15.

Conditions:
Hereditary cancer-predisposing syndrome. Also called: Neoplastic Syndromes, Hereditary; Hereditary Cancer Syndrome; Tumor predisposition; Hereditary neoplastic syndrome. Identifiers: Orphanet 140162, MedGen C0027672, MeSH D009386, MONDO:0015356.
Familial adenomatous polyposis 2. Also called: MUTYH-associated polyposis; MYH-associated polyposis; FAP type 2; Adenomas, multiple colorectal; MUTYH-related attenuated familial adenomatous polyposis; MUTYH Polyposis. Identifiers: Orphanet 220460, Orphanet 247798, MedGen C3272841, MONDO:0012041, OMIM 608456.

Allele frequency attached by ClinVar (database versions not stated): gnomAD exomes below 0.00001; TOPMed below 0.00001; ExAC 0.00001; gnomAD 0.00001; ESP Exome Variant Server 0.00008.
gnomAD v4.1: 3 of 1,614,052 alleles (0.00019%); highest among the groups gnomAD compares: Non-Finnish European, 0.00025%; no homozygotes.

Submissions (6):

Color Diagnostics, LLC DBA Color Health
Classification: Pathogenic for Hereditary cancer-predisposing syndrome. Last evaluated: 2025-09-15. Review status: criteria provided, single submitter. Criteria: ACMG Guidelines, 2015. Collection method: clinical testing. Allele origin: germline.
Comment: This variant changes 1 nucleotide in exon 8 of the MUTYH gene, creating a premature translation stop signal. This variant is expected to result in an absent or non-functional protein product. This variant has been reported in individuals affected with MUTYH-associated polyposis (PMID: 16557584, 19032956, 19732775). This variant has been identified in 1/251452 chromosomes in the general population by the Genome Aggregation Database (gnomAD). Loss of MUTYH function is a known mechanism of disease. Based on the available evidence, this variant is classified as Pathogenic.

Labcorp Genetics (formerly Invitae), Labcorp
Classification: Pathogenic for Familial adenomatous polyposis 2. Last evaluated: 2025-06-08. Review status: criteria provided, single submitter. Criteria: Invitae Variant Classification Sherloc (09022015). Collection method: clinical testing. Allele origin: germline.
Comment: This sequence change creates a premature translational stop signal (p.Gln210*) in the MUTYH gene. It is expected to result in an absent or disrupted protein product. Loss-of-function variants in MUTYH are known to be pathogenic (PMID: 18534194, 20663686). This variant is present in population databases (rs376561094, gnomAD 0.0009%). This premature translational stop signal has been observed in individual(s) with MUTYH-associated polyposis (PMID: 16557584, 19732775). This variant is also known as Q196X. ClinVar contains an entry for this variant (Variation ID: 233460). RNA analysis performed to evaluate the impact of this premature translational stop signal on mRNA splicing indicates it does not significantly alter splicing (internal data). For these reasons, this variant has been classified as Pathogenic.

Ambry Genetics
Classification: Pathogenic for Hereditary cancer-predisposing syndrome. Last evaluated: 2024-05-30. Review status: criteria provided, single submitter. Criteria: Ambry Variant Classification Scheme 2023. Collection method: clinical testing. Allele origin: germline.
Comment: The p.Q210* pathogenic mutation (also known as c.628C>T), located in coding exon 8 of the MUTYH gene, results from a C to T substitution at nucleotide position 628. This changes the amino acid from a glutamine to a stop codon within coding exon 8. This alteration has been identified in conjunction with a second MUTYH mutation in individuals affected with MUTYH-associated polyposis (Aretz S et al. Int. J. Cancer 2006 Aug;119(4):807-14; Nielsen M et al. Gastroenterology 2009 Feb;136(2):471-6; Vogt S et al. Gastroenterology 2009 Dec;137(6):1976-85.e1-10). In one study, this variant was detected in 0/165 colorectal cancer and/or polyposis patients and was identified in 1/2512 control individuals from a healthy population database (Rosenthal EA et al. Hum Genet, 2018 Oct;137:795-806). This variant was also reported in 1/60,466 breast cancer cases and in 0/53,461 controls (Dorling et al. N Engl J Med. 2021 02;384:428-439). In addition to the clinical data presented in the literature, this alteration is expected to result in loss of function by premature protein truncation or nonsense-mediated mRNA decay. As such, this alteration is interpreted as a disease-causing mutation.

CeGaT Center for Human Genetics Tuebingen
Classification: Pathogenic. Last evaluated: 2024-04-01. Review status: criteria provided, single submitter. Criteria: CeGaT Center For Human Genetics Tuebingen Variant Classification Criteria Version 2. Collection method: clinical testing. Allele origin: germline. Affected: yes. Observed: 2 variant alleles.
Comment: MUTYH: PVS1, PM2

All of Us Research Program, National Institutes of Health
Classification: Pathogenic for Familial adenomatous polyposis 2. Last evaluated: 2024-03-05. Review status: criteria provided, single submitter. Criteria: ACMG Guidelines, 2015. Collection method: clinical testing. Allele origin: germline. Inheritance: Autosomal recessive inheritance. Observed: 2 variant alleles, 2 heterozygotes.
Comment: This variant changes 1 nucleotide in exon 8 of the MUTYH gene, creating a premature translation stop signal. This variant is expected to result in an absent or non-functional protein product. This variant has been reported in individuals affected with MUTYH-associated polyposis (MAP; PMID: 16557584, 19032956, 19732775). This variant has been identified in 1/251452 chromosomes in the general population by the Genome Aggregation Database (gnomAD). Loss of MUTYH function is a known mechanism of disease. Based on the available evidence, this variant is classified as Pathogenic.

This study involves interpretation of variants in research participants for the purpose of population health screening. Participant phenotype was not available at the time of variant classification. Additional details can be found in publication PMID: 35346344, PMCID: PMC8962531

GeneDx
Classification: Pathogenic. Last evaluated: 2023-10-04. Review status: criteria provided, single submitter. Criteria: GeneDx Variant Classification Process June 2021. Collection method: clinical testing. Allele origin: germline. Affected: yes.
Comment: Nonsense variant predicted to result in protein truncation or nonsense mediated decay in a gene for which loss of function is a known mechanism of disease; Not observed at significant frequency in large population cohorts (gnomAD); This variant is associated with the following publications: (PMID: 33471991, 16557584, 19032956, 19394335, 19725997, 17161978, 25525159, 26269718, 30787465, 30604180, 19732775)

Literature cited by the submitters: PubMed 16557584 (cited by 4 submitters); PubMed 19032956 (cited by 3 submitters); PubMed 19732775 (cited by 4 submitters); PubMed 18534194 (cited by Labcorp Genetics (formerly Invitae), Labcorp); PubMed 20663686 (cited by Labcorp Genetics (formerly Invitae), Labcorp); PubMed 30267214 (cited by Ambry Genetics); PubMed 33471991 (cited by Ambry Genetics).

NM_001048174.2(MUTYH):c.544C>T (p.Gln182Ter)

Gene: MUTYH (mutY DNA glycosylase; minus strand). Cytogenetic location: 1p34.1.
Variant type: single nucleotide variant.
Coding change: c.544C>T on transcript NM_001048174.2 (MANE Select); coding-DNA position 544, C replaced by T.
Protein change: p.Gln182Ter; replaces glutamine 182 with a stop codon.
Molecular consequence: nonsense. On other transcripts: non-coding transcript variant (2).
Genome position (GRCh38, 1-based): chr1:45,332,636, G>A on the plus strand (C>T on the coding strand, the complement: MUTYH is on the minus strand). VCF-style: chr1-45332636-G-A. GRCh37 (hg19) VCF-style: chr1-45798308-G-A.
Other names: c.544C>T, p.Gln182Ter (NM_001048171.2, NM_001048173.2, NM_001293195.2); c.547C>T, p.Gln183Ter (NM_001048172.2); c.628C>T, p.Gln210Ter (NM_001128425.2); c.589C>T, p.Gln197Ter (NM_001293190.2); c.577C>T, p.Gln193Ter (NM_001293191.2); c.268C>T, p.Gln90Ter (NM_001293192.2, NM_001293196.2); c.199C>T, p.Gln67Ter (NM_001350650.2, NM_001350651.2); c.619C>T, p.Gln207Ter (NM_012222.3); short protein forms Q210*, Q193*, Q207*, Q90*, Q182*, Q183*, Q197*, Q67*.
Identifiers: ClinVar variation 233460 (VCV000233460.48), dbSNP rs376561094, ClinGen allele CA058460.